The following is an entry in ClinVar:

NM_001942.4(DSG1):c.2281A>T (p.Ile761Phe)

Genes: DSG1 (desmoglein 1; plus strand), DSG1-AS1 (DSG1 antisense RNA 1; minus strand), LOC126862720 (MED14-independent group 3 enhancer GRCh37_chr18:28933613-28934812; plus strand). Cytogenetic location: 18q12.1.
Variant type: single nucleotide variant.
Coding change: c.2281A>T on transcript NM_001942.4 (MANE Select); coding-DNA position 2281, A replaced by T.
Protein change: p.Ile761Phe; replaces isoleucine 761 with phenylalanine.
Molecular consequence: missense variant.
Genome position (GRCh38, 1-based): chr18:31,354,477, A>T. VCF-style: chr18-31354477-A-T. GRCh37 (hg19) VCF-style: chr18-28934440-A-T.
Other names: short protein forms I761F.
Identifiers: ClinVar variation 2791738 (VCV002791738.3), dbSNP rs2510845534, ClinGen allele CA402121895.

ClinVar aggregate classification (germline): Uncertain significance (1 of 4 stars; one submission).

Submission:

Labcorp Genetics (formerly Invitae), Labcorp
Classification: Uncertain significance. Last evaluated: 2023-09-27. Review status: criteria provided, single submitter. Criteria: Invitae Variant Classification Sherloc (09022015). Collection method: clinical testing. Allele origin: germline.
Comment: In summary, the available evidence is currently insufficient to determine the role of this variant in disease. Therefore, it has been classified as a Variant of Uncertain Significance. Advanced modeling of protein sequence and biophysical properties (such as structural, functional, and spatial information, amino acid conservation, physicochemical variation, residue mobility, and thermodynamic stability) performed at Invitae indicates that this missense variant is not expected to disrupt DSG1 protein function. This variant has not been reported in the literature in individuals affected with DSG1-related conditions. This variant is not present in population databases (gnomAD no frequency). This sequence change replaces isoleucine, which is neutral and non-polar, with phenylalanine, which is neutral and non-polar, at codon 761 of the DSG1 protein (p.Ile761Phe).